The following is an entry in ClinVar:

NM_001042492.3(NF1):c.2293C>G (p.Arg765Gly)

Gene: NF1 (neurofibromin 1; plus strand). Cytogenetic location: 17q11.2.
Variant type: single nucleotide variant.
Coding change: c.2293C>G on transcript NM_001042492.3 (MANE Select); coding-DNA position 2293, C replaced by G.
Protein change: p.Arg765Gly; replaces arginine 765 with glycine.
Molecular consequence: missense variant.
Genome position (GRCh38, 1-based): chr17:31,227,259, C>G. VCF-style: chr17-31227259-C-G. GRCh37 (hg19) VCF-style: chr17-29554277-C-G.
Other names: c.2293C>G, p.Arg765Gly (NM_000267.4); short protein forms R765G.
Identifiers: ClinVar variation 527493 (VCV000527493.5), dbSNP rs1383770460, ClinGen allele CA398982817.

ClinVar aggregate classification (germline): Uncertain significance (1 of 4 stars; one submission).

Conditions:
Neurofibromatosis, type 1 (NF1). Also called: VON RECKLINGHAUSEN DISEASE; NEUROFIBROMATOSIS, TYPE I, SOMATIC; Peripheral type neurofibromatosis; Neurofibromatosis, type I. Identifiers: Orphanet 636, MedGen C0027831, MONDO:0018975, OMIM 162200. Disease mechanism: loss of function.

Submission:

Labcorp Genetics (formerly Invitae), Labcorp
Classification: Uncertain significance for Neurofibromatosis, type 1. Last evaluated: 2025-09-08. Review status: criteria provided, single submitter. Criteria: Invitae Variant Classification Sherloc (09022015). Collection method: clinical testing. Allele origin: germline.
Comment: This sequence change replaces arginine, which is basic and polar, with glycine, which is neutral and non-polar, at codon 765 of the NF1 protein (p.Arg765Gly). This variant is not present in population databases (gnomAD no frequency). This variant has not been reported in the literature in individuals affected with NF1-related conditions. ClinVar contains an entry for this variant (Variation ID: 527493). Invitae Evidence Modeling of protein sequence and biophysical properties (such as structural, functional, and spatial information, amino acid conservation, physicochemical variation, residue mobility, and thermodynamic stability) has been performed for this missense variant. However, the output from this modeling did not meet the statistical confidence thresholds required to predict the impact of this variant on NF1 protein function. In summary, the available evidence is currently insufficient to determine the role of this variant in disease. Therefore, it has been classified as a Variant of Uncertain Significance.